The following is an entry in ClinVar:

ClinVar aggregate classification (germline): Uncertain significance (1 of 4 stars; one submission).

Conditions:
Charcot-Marie-Tooth disease axonal type 2C (HMSN2C). Also called: CHARCOT-MARIE-TOOTH DISEASE, AXONAL, AUTOSOMAL DOMINANT, TYPE 2C; Charcot-Marie-Tooth Neuropathy Type 2C; Charcot-Marie-Tooth Disease Type 2, TRPV4-Related (CMT2C). Identifiers: Orphanet 99937, MedGen C1853710, MONDO:0011633, OMIM 606071.

Submission:

Labcorp Genetics (formerly Invitae), Labcorp
Classification: Uncertain significance for Charcot-Marie-Tooth disease axonal type 2C. Last evaluated: 2022-05-07. Review status: criteria provided, single submitter. Criteria: Invitae Variant Classification Sherloc (09022015). Collection method: clinical testing. Allele origin: germline.
Comment: This sequence change replaces leucine, which is neutral and non-polar, with valine, which is neutral and non-polar, at codon 437 of the TRPV4 protein (p.Leu437Val). This variant is not present in population databases (gnomAD no frequency). This variant has not been reported in the literature in individuals affected with TRPV4-related conditions. ClinVar contains an entry for this variant (Variation ID: 862917). Advanced modeling of protein sequence and biophysical properties (such as structural, functional, and spatial information, amino acid conservation, physicochemical variation, residue mobility, and thermodynamic stability) performed at Invitae indicates that this missense variant is expected to disrupt TRPV4 protein function. In summary, the available evidence is currently insufficient to determine the role of this variant in disease. Therefore, it has been classified as a Variant of Uncertain Significance.

NM_021625.5(TRPV4):c.1309C>G (p.Leu437Val)

Gene: TRPV4 (transient receptor potential cation channel subfamily V member 4; minus strand). Cytogenetic location: 12q24.11.
Variant type: single nucleotide variant.
Coding change: c.1309C>G on transcript NM_021625.5 (MANE Select); coding-DNA position 1309, C replaced by G.
Protein change: p.Leu437Val; replaces leucine 437 with valine.
Molecular consequence: missense variant. On other transcripts: intron variant (2).
Genome position (GRCh38, 1-based): chr12:109,796,548, G>C on the plus strand (C>G on the coding strand, the complement: TRPV4 is on the minus strand). VCF-style: chr12-109796548-G-C. GRCh37 (hg19) VCF-style: chr12-110234353-G-C.
Other names: c.1207C>G, p.Leu403Val (NM_001177431.2); c.1012-2061C>G (NM_001177433.1); c.1153-2061C>G (NM_147204.2); c.1168C>G, p.Leu390Val (NM_001177428.2); short protein forms L403V, L390V, L437V.
Identifiers: ClinVar variation 862917 (VCV000862917.9), dbSNP rs1890412020, ClinGen allele CA386653437.
Genomic context (GRCh38, chr12:109,796,548, plus strand): 5'-TCCTTCCTCACACCCCATGCCCCCTCCTGGAGCCCACCTCAATCTTGCTGTTGTACACCA[G>C]GATCTCCAGCACGGAGGCCTCTTCCCCACACGTGTCCAGGGAGGAGAGGTCATAAAGCGA-3'
Protein context (NP_067638.3, residues 427-447): CGEEASVLEI[Leu437Val]VYNSKIENRH